The following is an entry in ClinVar:

NM_007126.5(VCP):c.445+5G>C

Gene: VCP (valosin containing protein; minus strand). Cytogenetic location: 9p13.3.
Variant type: single nucleotide variant.
Coding change: c.445+5G>C on transcript NM_007126.5 (MANE Select); 5 bases into the intron after coding-DNA position 445, G replaced by C.
Molecular consequence: intron variant.
Genome position (GRCh38, 1-based): chr9:35,066,670, C>G on the plus strand (G>C on the coding strand, the complement: VCP is on the minus strand). VCF-style: chr9-35066670-C-G. GRCh37 (hg19) VCF-style: chr9-35066667-C-G.
Other names: c.310+5G>C (NM_001354927.2, NM_001354928.2).
Identifiers: ClinVar variation 2331192 (VCV002331192.2), dbSNP rs755607327, ClinGen allele CA5039483.
Genomic context (GRCh38, chr9:35,066,670, plus strand): 5'-GATAAAGATGTTCCAAGGTTTATTCCCTACAGTCAATAATCCTTAAGCTCAGAATTAGCT[C>G]TCACCTTTCCGGATGGGTCGATACGCTTCCAGGAAGTACGGCTTAAGGTATACCTCGAAG-3'

ClinVar aggregate classification (germline): Uncertain significance (1 of 4 stars; one submission).

Conditions:
Inborn genetic diseases. Identifiers: MedGen C0950123, MeSH D030342.

Allele frequency attached by ClinVar (database versions not stated): gnomAD exomes below 0.00001; ExAC 0.00001.
gnomAD v4.1: 2 of 1,614,020 alleles (0.00012%); highest among the groups gnomAD compares: Non-Finnish European, 0.00017%; no homozygotes.

Submission:

Ambry Genetics
Classification: Uncertain significance for Inborn genetic diseases. Last evaluated: 2022-12-14. Review status: criteria provided, single submitter. Criteria: Ambry Variant Classification Scheme 2023. Collection method: clinical testing. Allele origin: germline.
Comment: The c.445+5G>C intronic alteration consists of a G to C substitution nucleotides after coding exon 4 in the VCP gene. Based on insufficient or conflicting evidence, the clinical significance of this alteration remains unclear.